The following is an entry in ClinVar:

ClinVar aggregate classification (germline): Uncertain significance (1 of 4 stars; one submission).

Conditions:
Hereditary breast ovarian cancer syndrome. Also called: BRCA1- and BRCA2-Associated Hereditary Breast and Ovarian Cancer; Hereditary breast and ovarian cancer syndrome (HBOC); Hereditary breast and ovarian cancer syndrome; Hereditary breast and ovarian cancer; Breast and ovarian cancer; Hereditary breast and/or ovarian cancer syndrome. Identifiers: Orphanet 145, MedGen C0677776, MeSH D061325, MONDO:0003582. Disease mechanism: loss of function.

Submission:

Labcorp Genetics (formerly Invitae), Labcorp
Classification: Uncertain significance for Hereditary breast ovarian cancer syndrome. Last evaluated: 2021-01-29. Review status: criteria provided, single submitter. Criteria: Invitae Variant Classification Sherloc (09022015). Collection method: clinical testing. Allele origin: germline.
Comment: In summary, the available evidence is currently insufficient to determine the role of this variant in disease. Therefore, it has been classified as a Variant of Uncertain Significance. Advanced modeling of protein sequence and biophysical properties (such as structural, functional, and spatial information, amino acid conservation, physicochemical variation, residue mobility, and thermodynamic stability) performed at Invitae indicates that this missense variant is not expected to disrupt BRCA2 protein function. This variant has not been reported in the literature in individuals with BRCA2-related conditions. This variant is not present in population databases (ExAC no frequency). This sequence change replaces lysine with isoleucine at codon 68 of the BRCA2 protein (p.Lys68Ile). The lysine residue is highly conserved and there is a moderate physicochemical difference between lysine and isoleucine.

NM_000059.4(BRCA2):c.203A>T (p.Lys68Ile)

Gene: BRCA2 (BRCA2 DNA repair associated; plus strand). Cytogenetic location: 13q13.1.
Variant type: single nucleotide variant.
Coding change: c.203A>T on transcript NM_000059.4 (MANE Select); coding-DNA position 203, A replaced by T.
Protein change: p.Lys68Ile; replaces lysine 68 with isoleucine.
Molecular consequence: missense variant.
Genome position (GRCh38, 1-based): chr13:32,319,212, A>T. VCF-style: chr13-32319212-A-T. GRCh37 (hg19) VCF-style: chr13-32893349-A-T.
Other names: short protein forms K68I.
Identifiers: ClinVar variation 1395056 (VCV001395056.6), dbSNP rs2072287399, ClinGen allele CA387754405.